The following is an entry in ClinVar:

NM_014991.6(WDFY3):c.10195C>T (p.His3399Tyr)

Gene: WDFY3 (WD repeat and FYVE domain containing 3; minus strand). Cytogenetic location: 4q21.23.
Variant type: single nucleotide variant.
Coding change: c.10195C>T on transcript NM_014991.6 (MANE Select); coding-DNA position 10195, C replaced by T.
Protein change: p.His3399Tyr; replaces histidine 3399 with tyrosine.
Molecular consequence: missense variant.
Genome position (GRCh38, 1-based): chr4:84,678,232, G>A on the plus strand (C>T on the coding strand, the complement: WDFY3 is on the minus strand). VCF-style: chr4-84678232-G-A. GRCh37 (hg19) VCF-style: chr4-85599385-G-A.
Other names: short protein forms H3399Y.
Identifiers: ClinVar variation 2663390 (VCV002663390.2), dbSNP rs2530341563, ClinGen allele CA357265548.

ClinVar aggregate classification (germline): Uncertain significance (1 of 4 stars; one submission).

Submission:

GeneDx
Classification: Uncertain significance. Last evaluated: 2026-03-26. Review status: criteria provided, single submitter. Criteria: GeneDx Variant Classification Process June 2021. Collection method: clinical testing. Allele origin: germline.
Comment: Not observed at significant frequency in large population cohorts (gnomAD); In silico analysis supports that this missense variant has a deleterious effect on protein structure/function; Has not been previously published as pathogenic or benign to our knowledge